The following is an entry in ClinVar:

NM_001127222.2(CACNA1A):c.2690dup (p.Tyr897Ter)

Gene: CACNA1A (calcium voltage-gated channel subunit alpha1 A; minus strand). Cytogenetic location: 19p13.13.
Variant type: Duplication.
Coding change: c.2690dup on transcript NM_001127222.2 (MANE Select); coding-DNA position 2690, one base duplicated (A; older notation c.2690dupA).
Protein change: p.Tyr897Ter; replaces tyrosine 897 with a stop codon.
Molecular consequence: nonsense.
Genome position (GRCh38, 1-based): chr19:13,298,943, T duplicated on the plus strand (A on the coding strand, the reverse complement: CACNA1A is on the minus strand). VCF-style (leftmost placement, unchanged base first): chr19-13298942-G-GT. GRCh37 (hg19) VCF-style: chr19-13409756-G-GT.
Other names: c.2702dup, p.Tyr901Ter (NM_000068.4, NM_023035.3); c.2693dup, p.Tyr898Ter (NM_001127221.2, NM_001174080.2); short protein forms Y897*, Y898*, Y901*.
Identifiers: ClinVar variation 3342512 (VCV003342512.1).
Genomic context (GRCh38, chr19:13,298,942, plus strand): 5'-CTCCCAGAACCCGGGTTGCTCCAGGCTGCCCTCCCGGGCGTGGTGGTCCGACTCGCGGCC[G>GT]TAGGGTCCCTCCCGGCTCAGCTCGGCCTCCTGGCTTCCCGCCCAGGGCCTCCGTGCGTCC-3'

ClinVar aggregate classification (germline): Pathogenic (1 of 4 stars; one submission).

Submission:

GeneDx
Classification: Pathogenic. Last evaluated: 2024-01-09. Review status: criteria provided, single submitter. Criteria: GeneDx Variant Classification Process June 2021. Collection method: clinical testing. Allele origin: germline. Affected: yes.
Comment: Nonsense variant predicted to result in protein truncation or nonsense mediated decay in a gene for which loss of function is a known mechanism of disease; Not observed at significant frequency in large population cohorts (gnomAD); Has not been previously published as pathogenic or benign to our knowledge